The following is an entry in ClinVar:

NM_058216.3(RAD51C):c.120G>C (p.Glu40Asp)

Gene: RAD51C (RAD51 paralog C; plus strand). Cytogenetic location: 17q22.
Variant type: single nucleotide variant.
Coding change: c.120G>C on transcript NM_058216.3 (MANE Select); coding-DNA position 120, G replaced by C.
Protein change: p.Glu40Asp; replaces glutamic acid 40 with aspartic acid.
Molecular consequence: missense variant. On other transcripts: non-coding transcript variant (1).
Genome position (GRCh38, 1-based): chr17:58,692,763, G>C. VCF-style: chr17-58692763-G-C. GRCh37 (hg19) VCF-style: chr17-56770124-G-C.
Other names: c.120G>C (NM_058216.1); c.120G>C, p.Glu40Asp (NM_002876.4); short protein forms E40D.
Identifiers: ClinVar variation 1391616 (VCV001391616.10), dbSNP rs2143679565, ClinGen allele CA400337588.

ClinVar aggregate classification (germline): Conflicting classifications of pathogenicity. Review status: criteria provided, conflicting classifications (1 of 4 stars). 2 submissions from 2 submitters: Uncertain significance (1); Benign (1). Last evaluated 2025-11-13.

Conditions:
Hereditary cancer-predisposing syndrome. Also called: Hereditary neoplastic syndrome; Neoplastic Syndromes, Hereditary; Hereditary Cancer Syndrome; Tumor predisposition. Identifiers: Orphanet 140162, MedGen C0027672, MeSH D009386, MONDO:0015356.
Fanconi anemia complementation group O. Also called: RAD51C-Related Fanconi Anemia. Identifiers: Orphanet 84, MedGen C3150653, MONDO:0013248, OMIM 613390.

Submissions (2):

Ambry Genetics
Classification: Benign for Hereditary cancer-predisposing syndrome. Last evaluated: 2025-11-13. Review status: criteria provided, single submitter. Criteria: Ambry Variant Classification Scheme 2023. Collection method: clinical testing. Allele origin: germline.

Labcorp Genetics (formerly Invitae), Labcorp
Classification: Uncertain significance for Fanconi anemia complementation group O. Last evaluated: 2021-04-28. Review status: criteria provided, single submitter. Criteria: Invitae Variant Classification Sherloc (09022015). Collection method: clinical testing. Allele origin: germline.
Comment: This sequence change replaces glutamic acid with aspartic acid at codon 40 of the RAD51C protein (p.Glu40Asp). The glutamic acid residue is weakly conserved and there is a small physicochemical difference between glutamic acid and aspartic acid. This variant is not present in population databases (ExAC no frequency). This variant has not been reported in the literature in individuals with RAD51C-related conditions. Algorithms developed to predict the effect of missense changes on protein structure and function (SIFT, PolyPhen-2, Align-GVGD) all suggest that this variant is likely to be tolerated, but these predictions have not been confirmed by published functional studies and their clinical significance is uncertain. In summary, the available evidence is currently insufficient to determine the role of this variant in disease. Therefore, it has been classified as a Variant of Uncertain Significance.